The following is an entry in ClinVar:

ClinVar aggregate classification (germline): Uncertain significance. Review status: criteria provided, multiple submitters, no conflicts (2 of 4 stars). 4 submissions from 4 submitters: Uncertain significance (3). 1 of the submissions does not count toward it. Last evaluated 2026-03-02.

Conditions:
Phenylketonuria (PKU). Also called: Phenylketonurias; Phenylketonuria (PKU); OLIGOPHRENIA PHENYLPYRUVICA; FOLLING DISEASE. Identifiers: Orphanet 716, MedGen C0031485, MONDO:0009861, OMIM 261600. Disease mechanism: loss of function.

Allele frequency attached by ClinVar (database versions not stated): gnomAD exomes 0.00006 and 0.00009; gnomAD 0.00007 and 0.00008; TOPMed 0.00007; ExAC 0.00008.
gnomAD v4.1: 104 of 1,597,944 alleles (0.0065%); highest among the groups gnomAD compares: Non-Finnish European, 0.0085%; no homozygotes.

Submissions (4):

Women's Health and Genetics/Laboratory Corporation of America, LabCorp
Classification: Uncertain significance. Last evaluated: 2026-03-02. Review status: criteria provided, single submitter. Criteria: LabCorp Variant Classification Summary - May 2015. Collection method: clinical testing. Allele origin: germline.
Comment: Variant summary: PAH c.65C>A (p.Thr22Lys) results in a non-conservative amino acid change in the encoded protein sequence. Algorithms developed to predict the effect of missense changes on protein structure and function are either unavailable or do not agree on the potential impact of this missense change. The variant allele was found at a frequency of 8.8e-05 in 251346 control chromosomes in the gnomAD database, including 1 homozygote. This frequency is not significantly higher than estimated for disease-causing variants in PAH, allowing no conclusion about variant significance. To our knowledge, c.65C>A has not been observed in individual(s) affected with Phenylalanine Hydroxylase Deficiency (Phenylketonuria) and no experimental evidence demonstrating an impact on protein function has been reported. ClinVar contains an entry for this variant (Variation ID: 550122). Based on the evidence outlined above, the variant was classified as uncertain significance.

Labcorp Genetics (formerly Invitae), Labcorp
Classification: Uncertain significance for Phenylketonuria. Last evaluated: 2024-12-02. Review status: criteria provided, single submitter. Criteria: Invitae Variant Classification Sherloc (09022015). Collection method: clinical testing. Allele origin: germline.
Comment: This sequence change replaces threonine, which is neutral and polar, with lysine, which is basic and polar, at codon 22 of the PAH protein (p.Thr22Lys). This variant is present in population databases (rs199565868, gnomAD 0.02%), including at least one homozygous and/or hemizygous individual. This variant has not been reported in the literature in individuals affected with PAH-related conditions. ClinVar contains an entry for this variant (Variation ID: 550122). Invitae Evidence Modeling of protein sequence and biophysical properties (such as structural, functional, and spatial information, amino acid conservation, physicochemical variation, residue mobility, and thermodynamic stability) indicates that this missense variant is expected to disrupt PAH protein function with a positive predictive value of 95%. In summary, the available evidence is currently insufficient to determine the role of this variant in disease. Therefore, it has been classified as a Variant of Uncertain Significance.

Fulgent Genetics
Classification: Uncertain significance for Phenylketonuria. Last evaluated: 2021-08-06. Review status: criteria provided, single submitter. Criteria: ACMG Guidelines, 2015. Collection method: clinical testing. Allele origin: unknown.

Counsyl
Classification: Uncertain significance for Phenylketonuria. Last evaluated: 2017-01-05. Review status: no assertion criteria provided. Collection method: clinical testing. Allele origin: unknown. Not counted in ClinVar's aggregate classification.

Literature cited by the submitters: PubMed 29473999 (cited by Women's Health and Genetics/Laboratory Corporation of America, LabCorp).

NM_000277.3(PAH):c.65C>A (p.Thr22Lys)

Gene: PAH (phenylalanine hydroxylase; minus strand). Cytogenetic location: 12q23.2.
Variant type: single nucleotide variant.
Coding change: c.65C>A on transcript NM_000277.3 (MANE Select); coding-DNA position 65, C replaced by A.
Protein change: p.Thr22Lys; replaces threonine 22 with lysine.
Molecular consequence: missense variant.
Genome position (GRCh38, 1-based): chr12:102,912,894, G>T on the plus strand (C>A on the coding strand, the complement: PAH is on the minus strand). VCF-style: chr12-102912894-G-T. GRCh37 (hg19) VCF-style: chr12-103306672-G-T.
Other names: c.65C>A, p.Thr22Lys (NM_001354304.2); short protein forms T22K.
Identifiers: ClinVar variation 550122 (VCV000550122.9), dbSNP rs199565868, ClinGen allele CA6749049.